The following is an entry in ClinVar:

NM_002755.4(MAP2K1):c.364A>G (p.Asn122Asp)

Gene: MAP2K1 (mitogen-activated protein kinase kinase 1; plus strand). Cytogenetic location: 15q22.31.
Variant type: single nucleotide variant.
Coding change: c.364A>G on transcript NM_002755.4 (MANE Select); coding-DNA position 364, A replaced by G.
Protein change: p.Asn122Asp; replaces asparagine 122 with aspartic acid.
Molecular consequence: missense variant.
Genome position (GRCh38, 1-based): chr15:66,436,818, A>G. VCF-style: chr15-66436818-A-G. GRCh37 (hg19) VCF-style: chr15-66729156-A-G.
Other names: short protein forms N122D.
Identifiers: ClinVar variation 228273 (VCV000228273.12), dbSNP rs876657651, ClinGen allele CA10576999.

ClinVar aggregate classification (germline): Pathogenic. Review status: reviewed by expert panel (3 of 4 stars). 5 submissions from 5 submitters: Pathogenic (1). 4 of the submissions do not count toward it. Last evaluated 2020-03-16.

Conditions:
Noonan syndrome 1 (NS1). Also called: FEMALE PSEUDO-TURNER SYNDROME; PTPN11-Related Noonan Syndrome; TURNER PHENOTYPE WITH NORMAL KARYOTYPE. Identifiers: Orphanet 648, MedGen C4551602, MONDO:0008104, OMIM 163950. Disease mechanism: gain of function.
Cardiofaciocutaneous syndrome 3 (CFC3). Also called: MAP2K1-Related Cardiofaciocutaneous Syndrome. Identifiers: Orphanet 1340, MedGen C3809006, MONDO:0014113, OMIM 615279.
RASopathy. Also called: rasopathies; Noonan spectrum disorder. Identifiers: Orphanet 536391, MedGen C5555857, MONDO:0021060.
Noonan syndrome (NS). Also called: Noonan's syndrome. Identifiers: Orphanet 648, MedGen C0028326, MeSH D009634, MONDO:0018997. Disease mechanism: gain of function.

Submissions (5):

ClinGen RASopathy Variant Curation Expert Panel
Classification: Pathogenic for RASopathy. Last evaluated: 2020-03-16. Review status: reviewed by expert panel. Criteria: ClinGen RASopathy ACMG Specifications v1. Collection method: curation. Allele origin: germline. Inheritance: Autosomal dominant inheritance.
Comment: The c.364A>G (p.Asn122Asp) variant in MAP2K1 was absent from gnomAD (PM2). It has been observed in 3 probands with clinical features of a RASopathy, including 1 de novo occurrence with maternity and paternity confirmed and 2 assumed de novo occurrences (PM2_VS; SCV000271240.2; Otto-von-Guericke-UniversitÃ¤t Magdeburg internal communication; Invitae internal data, SCV000947966.1). Of these patients, 2 received a clinical diagnosis of either Noonan syndrome or cardiofaciocutaneous syndrome (PS4_Supporting). Of note, this variant was observed in 1 proband without clinical information who inherited it from a parent with unknown clinical status (GeneDx internal data). The c.364A>G (p.Asm122Asp) variant is located in MAP2K1, which has been defined by the ClinGen RASopathy Expert Panel as a gene with a low rate of benign missense variants and pathogenic missense variants are common (PP2; PMID: 29493581). In summary, this variant meets criteria to be classified as pathogenic for autosomal dominant RASopathy based on RASopathy-specific ACMG/AMP criteria (PMID:29493581): PS2_VS, PS4_Supporting, PM2, PP2.

Labcorp Genetics (formerly Invitae), Labcorp
Classification: Likely pathogenic for RASopathy. Last evaluated: 2021-08-27. Review status: criteria provided, single submitter. Criteria: Invitae Variant Classification Sherloc (09022015). Collection method: clinical testing. Allele origin: germline. Not counted in ClinVar's aggregate classification.

MNM Diagnostics
Classification: Pathogenic for Cardiofaciocutaneous syndrome 3. Last evaluated: 2020-02-10. Review status: criteria provided, single submitter. Criteria: ACMG Guidelines, 2015. Collection method: clinical testing. Allele origin: de novo. Affected: yes. Observed: 1 variant allele. Not counted in ClinVar's aggregate classification.
Comment: According to ACMG Guidelines, the variant meets the following criteria of pathogenicity: PS2, PS4, PM2, PP2, PP3, PP4. This is a de novo variant of a missense heterozygotic mutation in exon 3 of MAP2K1 gene in position c.364A>G. The change results in the asparagine to aspartate substitution in codon 122.

Fulgent Genetics
Classification: Likely pathogenic for Noonan syndrome 1; Cardiofaciocutaneous syndrome 3. Last evaluated: 2018-10-31. Review status: criteria provided, single submitter. Criteria: ACMG Guidelines, 2015. Collection method: clinical testing. Allele origin: unknown. Not counted in ClinVar's aggregate classification.

Laboratory for Molecular Medicine, Mass General Brigham Personalized Medicine
Classification: Likely pathogenic for Noonan syndrome. Last evaluated: 2015-07-28. Review status: criteria provided, single submitter. Criteria: LMM Criteria. Collection method: clinical testing. Allele origin: germline. Inheritance: Autosomal dominant inheritance. Observed: 1 variant allele. Not counted in ClinVar's aggregate classification.
Comment: It wa s absent from large population studies. Computational prediction tools and conse rvation analysis suggest that this variant may impact the protein, though this i nformation is not predictive enough to determine pathogenicity. In summary, alth ough additional studies are required to fully establish its clinical significanc e, the p.Asn122Asp variant is likely pathogenic.